The following is an entry in ClinVar:

NM_182914.3(SYNE2):c.12320G>C (p.Gly4107Ala)

Gene: SYNE2 (spectrin repeat containing nuclear envelope protein 2; plus strand). Cytogenetic location: 14q23.2.
Variant type: single nucleotide variant.
Coding change: c.12320G>C on transcript NM_182914.3 (MANE Select); coding-DNA position 12320, G replaced by C.
Protein change: p.Gly4107Ala; replaces glycine 4107 with alanine.
Molecular consequence: missense variant.
Genome position (GRCh38, 1-based): chr14:64,098,760, G>C. VCF-style: chr14-64098760-G-C. GRCh37 (hg19) VCF-style: chr14-64565478-G-C.
Other names: c.12320G>C, p.Gly4107Ala (NM_015180.6); short protein forms G4107A.
Identifiers: ClinVar variation 2644296 (VCV002644296.27), dbSNP rs1233754231, ClinGen allele CA389953174.

ClinVar aggregate classification (germline): Uncertain significance. Review status: criteria provided, multiple submitters, no conflicts (2 of 4 stars). 2 submissions from 2 submitters: Uncertain significance (2). Last evaluated 2023-09-25.

Conditions:
Emery-Dreifuss muscular dystrophy 5, autosomal dominant (EDMD5). Also called: EMERY-DREIFUSS MUSCULAR DYSTROPHY 5. Identifiers: Orphanet 261, MedGen C2751805, MONDO:0013072, OMIM 612999.

Allele frequency attached by ClinVar (database versions not stated): gnomAD exomes below 0.00001; TOPMed 0.00001.
gnomAD v4.1: 3 of 1,614,062 alleles (0.00019%); highest among the groups gnomAD compares: African/African-American, 0.004%; no homozygotes.

Submissions (2):

Labcorp Genetics (formerly Invitae), Labcorp
Classification: Uncertain significance for Emery-Dreifuss muscular dystrophy 5, autosomal dominant. Last evaluated: 2023-09-25. Review status: criteria provided, single submitter. Criteria: Invitae Variant Classification Sherloc (09022015). Collection method: clinical testing. Allele origin: germline.
Comment: This sequence change replaces glycine, which is neutral and non-polar, with alanine, which is neutral and non-polar, at codon 4107 of the SYNE2 protein (p.Gly4107Ala). This variant is not present in population databases (gnomAD no frequency). This variant has not been reported in the literature in individuals affected with SYNE2-related conditions. An algorithm developed to predict the effect of missense changes on protein structure and function (PolyPhen-2) suggests that this variant is likely to be tolerated. In summary, the available evidence is currently insufficient to determine the role of this variant in disease. Therefore, it has been classified as a Variant of Uncertain Significance.

CeGaT Center for Human Genetics Tuebingen
Classification: Uncertain significance. Last evaluated: 2022-08-01. Review status: criteria provided, single submitter. Criteria: CeGaT Center For Human Genetics Tuebingen Variant Classification Criteria Version 2. Collection method: clinical testing. Allele origin: germline. Affected: yes. Observed: 1 variant allele.
Comment: SYNE2: PM2, BP4